The following is an entry in ClinVar:

NM_000352.6(ABCC8):c.4190C>A (p.Thr1397Lys)

Gene: ABCC8 (ATP binding cassette subfamily C member 8; minus strand). Cytogenetic location: 11p15.1.
Variant type: single nucleotide variant.
Coding change: c.4190C>A on transcript NM_000352.6 (MANE Select); coding-DNA position 4190, C replaced by A.
Protein change: p.Thr1397Lys; replaces threonine 1397 with lysine.
Molecular consequence: missense variant. On other transcripts: non-coding transcript variant (1).
Genome position (GRCh38, 1-based): chr11:17,395,860, G>T on the plus strand (C>A on the coding strand, the complement: ABCC8 is on the minus strand). VCF-style: chr11-17395860-G-T. GRCh37 (hg19) VCF-style: chr11-17417407-G-T.
Other names: c.4193C>A, p.Thr1398Lys (NM_001287174.3); c.4256C>A, p.Thr1419Lys (NM_001351295.2); c.4190C>A, p.Thr1397Lys (NM_001351296.2); c.4187C>A, p.Thr1396Lys (NM_001351297.2); short protein forms T1396K, T1419K, T1398K, T1397K.
Identifiers: ClinVar variation 3403042 (VCV003403042.2).
Genomic context (GRCh38, chr11:17,395,860, plus strand): 5'-GGCCTCATCTGGTGGCTGTGGGTACACGTGGGGTGCCCGCCTTACAACTCACCTTCGAAC[G>T]TGTCCACCATGCGGAAGAAGGCAAGAGAGAAGGAGGACTTCCCACTGCCGGTGCGGCCGC-3'
Protein context (NP_000343.2, residues 1387-1407): FSLAFFRMVD[Thr1397Lys]FEGHIIIDGI

ClinVar aggregate classification (germline): Uncertain significance. Review status: criteria provided, multiple submitters, no conflicts (2 of 4 stars). 2 submissions from 2 submitters: Uncertain significance (2). Last evaluated 2025-04-27.

Conditions:
Inborn genetic diseases. Identifiers: MedGen C0950123, MeSH D030342.

gnomAD v4.1: 1 of 1,582,756 alleles (0.000063%); highest among the groups gnomAD compares: Middle Eastern, 0.017%; no homozygotes.

Submissions (2):

Labcorp Genetics (formerly Invitae), Labcorp
Classification: Uncertain significance. Last evaluated: 2025-04-27. Review status: criteria provided, single submitter. Criteria: Invitae Variant Classification Sherloc (09022015). Collection method: clinical testing. Allele origin: germline.
Comment: This sequence change replaces threonine, which is neutral and polar, with lysine, which is basic and polar, at codon 1397 of the ABCC8 protein (p.Thr1397Lys). The frequency data for this variant in the population databases is considered unreliable, as metrics indicate poor data quality at this position in the gnomAD database. This variant has not been reported in the literature in individuals affected with ABCC8-related conditions. ClinVar contains an entry for this variant (Variation ID: 3403042). Invitae Evidence Modeling of protein sequence and biophysical properties (such as structural, functional, and spatial information, amino acid conservation, physicochemical variation, residue mobility, and thermodynamic stability) indicates that this missense variant is not expected to disrupt ABCC8 protein function with a negative predictive value of 95%. In summary, the available evidence is currently insufficient to determine the role of this variant in disease. Therefore, it has been classified as a Variant of Uncertain Significance.

Ambry Genetics
Classification: Uncertain significance for Inborn genetic diseases. Last evaluated: 2024-10-08. Review status: criteria provided, single submitter. Criteria: Ambry Variant Classification Scheme 2023. Collection method: clinical testing. Allele origin: germline.
Comment: The p.T1397K variant (also known as c.4190C>A), located in coding exon 34 of the ABCC8 gene, results from a C to A substitution at nucleotide position 4190. The threonine at codon 1397 is replaced by lysine, an amino acid with similar properties. This amino acid position is conserved. In addition, the in silico prediction for this alteration is inconclusive. Based on the available evidence, the clinical significance of this variant remains unclear.